The following is an entry in ClinVar:

NM_001385.3(DPYS):c.1010T>C (p.Leu337Pro)

Gene: DPYS (dihydropyrimidinase; minus strand). Cytogenetic location: 8q22.3.
Variant type: single nucleotide variant.
Coding change: c.1010T>C on transcript NM_001385.3 (MANE Select); coding-DNA position 1010, T replaced by C.
Protein change: p.Leu337Pro; replaces leucine 337 with proline.
Molecular consequence: missense variant.
Genome position (GRCh38, 1-based): chr8:104,428,062, A>G on the plus strand (T>C on the coding strand, the complement: DPYS is on the minus strand). VCF-style: chr8-104428062-A-G. GRCh37 (hg19) VCF-style: chr8-105440290-A-G.
Other names: short protein forms L337P.
Identifiers: ClinVar variation 1001764 (VCV001001764.7), dbSNP rs530911437, ClinGen allele CA4838391.
Genomic context (GRCh38, chr8:104,428,062, plus strand): 5'-GACATCCGATCTTCAACACCATTCACCCCATTGGGGATCTTGGTAAAATCATCCTTCCCA[A>G]GAGCTTTCTGGCAGGTGTTGAAAGTGCAGTTATCAGTCCCTGTTGTGGTTAGATCATCAC-3'
Protein context (NP_001376.1, residues 327-347): NCTFNTCQKA[Leu337Pro]GKDDFTKIPN

ClinVar aggregate classification (germline): Uncertain significance. Review status: criteria provided, multiple submitters, no conflicts (2 of 4 stars). 2 submissions from 2 submitters: Uncertain significance (2). Last evaluated 2023-09-20.

Allele frequency attached by ClinVar (database versions not stated): TOPMed below 0.00001; gnomAD 0.00001 and 0.00006; gnomAD exomes 0.00016 and 0.00029; 1000 Genomes Project 0.00060; ExAC 0.00030; 1000 Genomes Project 30x 0.00047.
gnomAD v4.1: 239 of 1,614,174 alleles (0.015%); highest among the groups gnomAD compares: South Asian, 0.25%; 4 homozygotes.

Submissions (2):

Blueprint Genetics
Classification: Uncertain significance. Last evaluated: 2023-09-20. Review status: criteria provided, single submitter. Criteria: ACMG Guidelines, 2015. Collection method: clinical testing. Allele origin: germline.

Labcorp Genetics (formerly Invitae), Labcorp
Classification: Uncertain significance. Last evaluated: 2021-09-02. Review status: criteria provided, single submitter. Criteria: Invitae Variant Classification Sherloc (09022015). Collection method: clinical testing. Allele origin: germline.
Comment: This sequence change replaces leucine with proline at codon 337 of the DPYS protein (p.Leu337Pro). The leucine residue is highly conserved and there is a moderate physicochemical difference between leucine and proline. This variant is present in population databases (rs530911437, ExAC 0.2%). This missense change has been observed in individual(s) with dihydropyrimidinase deficiency (PMID: 20362666). Algorithms developed to predict the effect of missense changes on protein structure and function (SIFT, PolyPhen-2, Align-GVGD) all suggest that this variant is likely to be disruptive. Experimental studies have shown that this missense change affects DPYS function (PMID: 20362666, 28642038). In summary, the available evidence is currently insufficient to determine the role of this variant in disease. Therefore, it has been classified as a Variant of Uncertain Significance.

Literature cited by the submitters: PubMed 20362666 (cited by Labcorp Genetics (formerly Invitae), Labcorp); PubMed 28642038 (cited by Labcorp Genetics (formerly Invitae), Labcorp).